The following is an entry in ClinVar:

NM_000169.3(GLA):c.639+5G>T

Genes: GLA (galactosidase alpha; minus strand), RPL36A-HNRNPH2 (RPL36A-HNRNPH2 readthrough; plus strand). Cytogenetic location: Xq22.1.
Variant type: single nucleotide variant.
Coding change: c.639+5G>T on transcript NM_000169.3 (MANE Select); 5 bases into the intron after coding-DNA position 639, G replaced by T.
Molecular consequence: intron variant.
Genome position (GRCh38, 1-based): chrX:101,400,661, C>A on the plus strand (G>T on the coding strand, the complement: GLA is on the minus strand). VCF-style: chrX-101400661-C-A. GRCh37 (hg19) VCF-style: chrX-100655649-C-A.
Other names: c.300+5204C>A (NM_001199973.2); c.177+8839C>A (NM_001199974.2); c.762+5G>T (NM_001406747.1); c.639+5G>T (NM_001406748.1).
Identifiers: ClinVar variation 4087114 (VCV004087114.2).

ClinVar aggregate classification (germline): Pathogenic (1 of 4 stars; one submission).

Conditions:
Fabry disease. Also called: ALPHA-GALACTOSIDASE A DEFICIENCY; ANDERSON-FABRY DISEASE; CERAMIDE TRIHEXOSIDASE DEFICIENCY; GLA DEFICIENCY; HEREDITARY DYSTOPIC LIPIDOSIS; Angiokeratoma corporis diffusum. Identifiers: Orphanet 324, MedGen C0002986, MONDO:0010526, OMIM 301500, HP:0001071. Disease mechanism: Fabry disease is due to inactivating mutations in the X-linked GLA gene resulting in deficiency of the enzyme Alpha Galactosidase-A., loss of function.

Submission:

Genomenon, Inc
Classification: Pathogenic for Fabry disease. Last evaluated: 2026-09-08. Review status: criteria provided, single submitter. Criteria: Genomenon Sequence Variant Interpretation Standards - Updated. Collection method: curation. Allele origin: germline. Affected: yes.
Comment: GLA c.639+5G>T is an intronic variant located in the donor splice region of intron 4. This variant has been observed in at least one proband with clinical features consistent with Fabry disease (PMID:22187137;26691501;25143556). The variant was found to segregate with disease in at least one affected family (PMID:26691501). Functional or patient cell studies have been reported (PMID:22187137;26691501;40076891). At least one splicing study has demonstrated that this variant results in aberrant splicing (PMID:37254000). It is absent or not present at a significant frequency in gnomAD. In conclusion, we classify GLA c.639+5G>T as a pathogenic variant.

Literature cited by the submitters: PubMed 22187137; PubMed 26691501; PubMed 25143556; PubMed 40076891; PubMed 37254000.